The following is an entry in ClinVar:

NM_000443.4(ABCB4):c.2783+1G>C

Gene: ABCB4 (ATP binding cassette subfamily B member 4; minus strand). Cytogenetic location: 7q21.12.
Variant type: single nucleotide variant.
Coding change: c.2783+1G>C on transcript NM_000443.4 (MANE Select); the canonical splice donor site of the intron after coding-DNA position 2783, G replaced by C.
Molecular consequence: splice donor variant.
Genome position (GRCh38, 1-based): chr7:87,413,616, C>G on the plus strand (G>C on the coding strand, the complement: ABCB4 is on the minus strand). VCF-style: chr7-87413616-C-G. GRCh37 (hg19) VCF-style: chr7-87042932-C-G.
Other names: c.2783+1G>C (NM_018850.3, NM_018849.3).
Identifiers: ClinVar variation 4846353 (VCV004846353.1).

ClinVar aggregate classification (germline): Pathogenic (1 of 4 stars; one submission).

Conditions:
Familial intrahepatic cholestasis. Identifiers: Orphanet 284385, MedGen CN296401, MONDO:0017290.

Submission:

Genomenon, Inc
Classification: Pathogenic for Familial intrahepatic cholestasis. Last evaluated: 2026-04-14. Review status: criteria provided, single submitter. Criteria: Genomenon Sequence Variant Interpretation Standards - Updated. Collection method: curation. Allele origin: germline. Affected: yes.
Comment: ABCB4 c.2783+1G>C is a canonical splice variant affecting the donor splice site of intron 22. It is predicted to affect mRNA splicing, leading to a deleterious effect on the ABCB4 protein. This variant has been observed in at least one proband with an ABCB4-related disorder (PMID:29761167). It is absent or not present at a significant frequency in gnomAD. In conclusion, we classify ABCB4 c.2783+1G>C as a pathogenic variant.

Literature cited by the submitters: PubMed 29761167.